The following is an entry in ClinVar:

ClinVar aggregate classification (germline): Benign (1 of 4 stars; one submission).

Allele frequency attached by ClinVar (database versions not stated): gnomAD 0.84861 and 0.85656; TOPMed 0.85234; 1000 Genomes Project 30x 0.87008; 1000 Genomes Project 0.87919.
gnomAD v4.1: 130,458 of 152,152 alleles (86%); highest among the groups gnomAD compares: East Asian, 100%; 56,747 homozygotes.

Submission:

GeneDx
Classification: Benign. Last evaluated: 2018-06-18. Review status: criteria provided, single submitter. Criteria: GeneDx Variant Classification (06012015). Collection method: clinical testing. Allele origin: germline. Affected: yes.
Comment: This variant is considered likely benign or benign based on one or more of the following criteria: it is a conservative change, it occurs at a poorly conserved position in the protein, it is predicted to be benign by multiple in silico algorithms, and/or has population frequency not consistent with disease.

NM_000334.4(SCN4A):c.1037-291A>G

Gene: SCN4A (sodium voltage-gated channel alpha subunit 4; minus strand). Cytogenetic location: 17q23.3.
Variant type: single nucleotide variant.
Coding change: c.1037-291A>G on transcript NM_000334.4 (MANE Select); 291 bases into the intron before coding-DNA position 1037, A replaced by G.
Molecular consequence: intron variant.
Genome position (GRCh38, 1-based): chr17:63,966,835, T>C on the plus strand (A>G on the coding strand, the complement: SCN4A is on the minus strand). VCF-style: chr17-63966835-T-C. GRCh37 (hg19) VCF-style: chr17-62044195-T-C.
Identifiers: ClinVar variation 684254 (VCV000684254.1), dbSNP rs4968677, ClinGen allele CA14408168.